The following is an entry in ClinVar:

ClinVar aggregate classification (germline): Likely benign (1 of 4 stars; one submission).

Allele frequency attached by ClinVar (database versions not stated): gnomAD 0.00001; gnomAD exomes 0.00001; TOPMed 0.00001; ExAC 0.00002.
gnomAD v4.1: 13 of 1,614,066 alleles (0.00081%); highest among the groups gnomAD compares: East Asian, 0.0022%; no homozygotes.

Submission:

CeGaT Center for Human Genetics Tuebingen
Classification: Likely benign. Last evaluated: 2022-09-01. Review status: criteria provided, single submitter. Criteria: CeGaT Center For Human Genetics Tuebingen Variant Classification Criteria Version 2. Collection method: clinical testing. Allele origin: germline. Affected: yes. Observed: 1 variant allele.
Comment: NOTCH3: BP4, BP7

NM_000435.3(NOTCH3):c.1866C>T (p.Asp622=)

Gene: NOTCH3 (notch receptor 3; minus strand). Cytogenetic location: 19p13.12.
Variant type: single nucleotide variant.
Coding change: c.1866C>T on transcript NM_000435.3 (MANE Select); coding-DNA position 1866, C replaced by T.
Protein change: p.Asp622=; no amino-acid change (aspartic acid 622 retained).
Molecular consequence: synonymous variant.
Genome position (GRCh38, 1-based): chr19:15,186,963, G>A on the plus strand (C>T on the coding strand, the complement: NOTCH3 is on the minus strand). VCF-style: chr19-15186963-G-A. GRCh37 (hg19) VCF-style: chr19-15297774-G-A.
Identifiers: ClinVar variation 1711470 (VCV001711470.30), dbSNP rs777959915, ClinGen allele CA9263513.
Genomic context (GRCh38, chr19:15,186,963, plus strand): 5'-GTCGTAGCGGTTGATGCCATCACGGCAGACTCCAAAGGTGCAGGGGTTGCTGGCACAGTC[G>A]TCAATGTTCACTTCGCAGTTCACACCTAGGGGCCAGGAACATGGCATGGAGTGGCCACCA-3'
Protein context (NP_000426.2, residues 612-632): TTGVNCEVNI[Asp622=]DCASNPCTFG